The following is an entry in ClinVar:

ClinVar aggregate classification (germline): Likely benign (1 of 4 stars; one submission).

Allele frequency attached by ClinVar (database versions not stated): 1000 Genomes Project 30x 0.01390; gnomAD 0.01193 and 0.01106; 1000 Genomes Project 0.01278; TOPMed 0.01318.

Submission:

GeneDx
Classification: Likely benign. Last evaluated: 2018-06-19. Review status: criteria provided, single submitter. Criteria: GeneDx Variant Classification (06012015). Collection method: clinical testing. Allele origin: germline. Affected: yes.
Comment: This variant is considered likely benign or benign based on one or more of the following criteria: it is a conservative change, it occurs at a poorly conserved position in the protein, it is predicted to be benign by multiple in silico algorithms, and/or has population frequency not consistent with disease.

NM_000070.2(CAPN3):c.-641A>G

Gene: CAPN3 (calpain 3; plus strand). Cytogenetic location: 15q15.1.
Variant type: single nucleotide variant.
Coding change: c.-641A>G on transcript NM_000070.2; 641 bases upstream of the start codon, A replaced by G.
Genome position (GRCh38, 1-based): chr15:42,359,165, A>G. VCF-style: chr15-42359165-A-G. GRCh37 (hg19) VCF-style: chr15-42651363-A-G.
Identifiers: ClinVar variation 674255 (VCV000674255.3), dbSNP rs28364361, ClinGen allele CA269853250.